The following is an entry in ClinVar:

ClinVar aggregate classification (germline): Benign. Review status: criteria provided, single submitter (1 of 4 stars). 2 submissions from 2 submitters: Benign (1). 1 of the submissions does not count toward it. Last evaluated 2026-09-01.

Conditions:
TARS1-related disorder. Also called: TARS1-related condition.

Allele frequency attached by ClinVar (database versions not stated): 1000 Genomes Project 0.00260; 1000 Genomes Project 30x 0.00281; ESP Exome Variant Server 0.00746.
gnomAD v4.1: 13,438 of 1,613,540 alleles (0.83%); highest among the groups gnomAD compares: Non-Finnish European, 1.1%; 59 homozygotes.

Submissions (2):

CeGaT Center for Human Genetics Tuebingen
Classification: Benign. Last evaluated: 2026-09-01. Review status: criteria provided, single submitter. Criteria: CeGaT Center For Human Genetics Tuebingen Variant Classification Criteria Version 2. Collection method: clinical testing. Allele origin: germline. Affected: yes. Observed: 9 variant alleles.
Comment: TARS1: BP4, BS1, BS2

PreventionGenetics, part of Exact Sciences
Classification: Benign for TARS1-related condition. Last evaluated: 2019-10-30. Review status: no assertion criteria provided. Collection method: clinical testing. Allele origin: germline. Not counted in ClinVar's aggregate classification.
Comment: This variant is classified as benign based on ACMG/AMP sequence variant interpretation guidelines (Richards et al. 2015 PMID: 25741868, with internal and published modifications).

NM_152295.5(TARS1):c.284C>A (p.Ala95Glu)

Gene: TARS1 (threonyl-tRNA synthetase 1; plus strand). Cytogenetic location: 5p13.3.
Variant type: single nucleotide variant.
Coding change: c.284C>A on transcript NM_152295.5 (MANE Select); coding-DNA position 284, C replaced by A.
Protein change: p.Ala95Glu; replaces alanine 95 with glutamic acid.
Molecular consequence: missense variant. On other transcripts: non-coding transcript variant (2).
Genome position (GRCh38, 1-based): chr5:33,448,686, C>A. VCF-style: chr5-33448686-C-A. GRCh37 (hg19) VCF-style: chr5-33448792-C-A.
Other names: c.284C>A, p.Ala95Glu (NM_001258437.1, NM_001258438.2); c.248C>A, p.Ala83Glu (NM_003191.1); c.284C>A (NM_001258438.1); short protein forms A83E, A95E.
Identifiers: ClinVar variation 2655386 (VCV002655386.25), dbSNP rs141305584, ClinGen allele CA3222953.